The following is an entry in ClinVar:

ClinVar aggregate classification (germline): Likely benign (1 of 4 stars; one submission).

gnomAD v4.1: 1,253 of 1,547,648 alleles (0.081%); highest among the groups gnomAD compares: South Asian, 0.24%; 2 homozygotes.

Submission:

CeGaT Center for Human Genetics Tuebingen
Classification: Likely benign. Last evaluated: 2026-05-01. Review status: criteria provided, single submitter. Criteria: CeGaT Center For Human Genetics Tuebingen Variant Classification Criteria Version 2. Collection method: clinical testing. Allele origin: germline. Affected: yes. Observed: 1 variant allele.
Comment: TERB1: BP4

NM_001136505.2(TERB1):c.659G>A (p.Arg220His)

Gene: TERB1 (telomere repeat binding bouquet formation protein 1; minus strand). Cytogenetic location: 16q22.1.
Variant type: single nucleotide variant.
Coding change: c.659G>A on transcript NM_001136505.2 (MANE Select); coding-DNA position 659, G replaced by A.
Protein change: p.Arg220His; replaces arginine 220 with histidine.
Molecular consequence: missense variant.
Genome position (GRCh38, 1-based): chr16:66,785,827, C>T on the plus strand (G>A on the coding strand, the complement: TERB1 is on the minus strand). VCF-style: chr16-66785827-C-T. GRCh37 (hg19) VCF-style: chr16-66819730-C-T.
Other names: short protein forms R220H.
Identifiers: ClinVar variation 4871960 (VCV004871960.2).